The following is an entry in ClinVar:

ClinVar aggregate classification (germline): Uncertain significance (1 of 4 stars; one submission).

Conditions:
Cardiovascular phenotype. Identifiers: MedGen CN230736.
Hereditary cancer-predisposing syndrome. Also called: Neoplastic Syndromes, Hereditary; Tumor predisposition; Hereditary Cancer Syndrome; Hereditary neoplastic syndrome. Identifiers: Orphanet 140162, MedGen C0027672, MeSH D009386, MONDO:0015356.

gnomAD v4.1: 1 of 1,613,706 alleles (0.000062%); highest among the groups gnomAD compares: Non-Finnish European, 0.000085%; no homozygotes.

Submission:

Ambry Genetics
Classification: Uncertain significance for Cardiovascular phenotype; Hereditary cancer-predisposing syndrome. Last evaluated: 2026-05-28. Review status: criteria provided, single submitter. Criteria: Ambry Variant Classification Scheme 2023. Collection method: clinical testing. Allele origin: germline.
Comment: The p.C680Y variant (also known as c.2039G>A), located in coding exon 18 of the NF1 gene, results from a G to A substitution at nucleotide position 2039. The cysteine at codon 680 is replaced by tyrosine, an amino acid with highly dissimilar properties. This amino acid position is well conserved in available vertebrate species. In addition, this alteration is predicted to be deleterious by in silico analysis. Based on the available evidence, the clinical significance of this variant remains unclear.

NM_001042492.3(NF1):c.2039G>A (p.Cys680Tyr)

Gene: NF1 (neurofibromin 1; plus strand). Cytogenetic location: 17q11.2.
Variant type: single nucleotide variant.
Coding change: c.2039G>A on transcript NM_001042492.3 (MANE Select); coding-DNA position 2039, G replaced by A.
Protein change: p.Cys680Tyr; replaces cysteine 680 with tyrosine.
Molecular consequence: missense variant.
Genome position (GRCh38, 1-based): chr17:31,226,472, G>A. VCF-style: chr17-31226472-G-A. GRCh37 (hg19) VCF-style: chr17-29553490-G-A.
Other names: c.2039G>A, p.Cys680Tyr (NM_000267.4); short protein forms C680Y.
Identifiers: ClinVar variation 4860980 (VCV004860980.1).